The following is an entry in ClinVar:

ClinVar aggregate classification (germline): Uncertain significance (1 of 4 stars; one submission).

Conditions:
Congenital myasthenic syndrome 5. Identifiers: Orphanet 590, MedGen C1864233, MONDO:0011281, OMIM 603034.

gnomAD v4.1: 2 of 1,614,150 alleles (0.00012%); highest among the groups gnomAD compares: Non-Finnish European, 0.00017%; no homozygotes.

Submission:

Labcorp Genetics (formerly Invitae), Labcorp
Classification: Uncertain significance for Congenital myasthenic syndrome 5. Last evaluated: 2021-09-01. Review status: criteria provided, single submitter. Criteria: Invitae Variant Classification Sherloc (09022015). Collection method: clinical testing. Allele origin: germline.
Comment: This sequence change replaces glycine with valine at codon 47 of the COLQ protein (p.Gly47Val). The glycine residue is weakly conserved and there is a moderate physicochemical difference between glycine and valine. This variant is not present in population databases (ExAC no frequency). This variant has not been reported in the literature in individuals affected with COLQ-related conditions. Algorithms developed to predict the effect of missense changes on protein structure and function are either unavailable or do not agree on the potential impact of this missense change (SIFT: "Tolerated"; PolyPhen-2: "Probably Damaging"; Align-GVGD: "Class C0"). In summary, the available evidence is currently insufficient to determine the role of this variant in disease. Therefore, it has been classified as a Variant of Uncertain Significance.

NM_005677.4(COLQ):c.140G>T (p.Gly47Val)

Gene: COLQ (collagen like tail subunit of asymmetric acetylcholinesterase; minus strand). Cytogenetic location: 3p25.1.
Variant type: single nucleotide variant.
Coding change: c.140G>T on transcript NM_005677.4 (MANE Select); coding-DNA position 140, G replaced by T.
Protein change: p.Gly47Val; replaces glycine 47 with valine.
Molecular consequence: missense variant.
Genome position (GRCh38, 1-based): chr3:15,489,604, C>A on the plus strand (G>T on the coding strand, the complement: COLQ is on the minus strand). VCF-style: chr3-15489604-C-A. GRCh37 (hg19) VCF-style: chr3-15531111-C-A.
Other names: c.140G>T, p.Gly47Val (NM_080539.4); c.110G>T, p.Gly37Val (NM_080538.2); short protein forms G47V, G37V.
Identifiers: ClinVar variation 1401647 (VCV001401647.5), dbSNP rs1411203931, ClinGen allele CA351601575.